The following is an entry in ClinVar:

NM_000353.3(TAT):c.1250G>A (p.Arg417Gln)

Genes: TAT-AS1 (TAT antisense RNA 1; plus strand), TAT (tyrosine aminotransferase; minus strand). Cytogenetic location: 16q22.2.
Variant type: single nucleotide variant.
Coding change: c.1250G>A on transcript NM_000353.3 (MANE Select); coding-DNA position 1250, G replaced by A.
Protein change: p.Arg417Gln; replaces arginine 417 with glutamine.
Molecular consequence: missense variant.
Genome position (GRCh38, 1-based): chr16:71,568,259, C>T on the plus strand (G>A on the coding strand, the complement: TAT is on the minus strand). VCF-style: chr16-71568259-C-T. GRCh37 (hg19) VCF-style: chr16-71602162-C-T.
Other names: short protein forms R417Q.
Identifiers: ClinVar variation 550062 (VCV000550062.12), dbSNP rs757879229, ClinGen allele CA8153728.

ClinVar aggregate classification (germline): Pathogenic/Likely pathogenic. Review status: criteria provided, multiple submitters, no conflicts (2 of 4 stars). 4 submissions from 4 submitters: Pathogenic (1); Likely pathogenic (2). 1 of the submissions does not count toward it. Last evaluated 2025-09-18.

Conditions:
Tyrosinemia type II (TYRSN2). Also called: TAT DEFICIENCY; TYROSINE AMINOTRANSFERASE DEFICIENCY; TYROSINE TRANSAMINASE DEFICIENCY; KERATOSIS PALMOPLANTARIS WITH CORNEAL DYSTROPHY; OREGON TYPE TYROSINEMIA. Identifiers: Orphanet 28378, MedGen C0268487, MONDO:0010160, OMIM 276600.

Allele frequency attached by ClinVar (database versions not stated): ExAC 0.00001; gnomAD exomes 0.00001.

Submissions (4):

Women's Health and Genetics/Laboratory Corporation of America, LabCorp
Classification: Likely pathogenic for Tyrosinemia type II. Last evaluated: 2025-09-18. Review status: criteria provided, single submitter. Criteria: LabCorp Variant Classification Summary - May 2015. Collection method: clinical testing. Allele origin: germline.
Comment: Variant summary: TAT c.1250G>A (p.Arg417Gln) results in a conservative amino acid change located in the Aminotransferase, class I/class II domain (IPR004839) of the encoded protein sequence. Algorithms developed to predict the effect of missense changes on protein structure and function are either unavailable or do not agree on the potential impact of this missense change. The variant allele was found at a frequency of 8e-06 in 251370 control chromosomes. c.1250G>A has been observed in one homozygous individual and one compound heterozygous individual affected with Tyrosinemia Type 2 (example: Culic_2011, Labcorp Genetics (formerly Invitae)). These data indicate that the variant may be associated with disease. To our knowledge, no experimental evidence demonstrating an impact on protein function has been reported. The following publication has been ascertained in the context of this evaluation (PMID: 21145993). ClinVar contains an entry for this variant (Variation ID: 550062). Based on the evidence outlined above, the variant was classified as likely pathogenic.

Labcorp Genetics (formerly Invitae), Labcorp
Classification: Pathogenic for Tyrosinemia type II. Last evaluated: 2022-11-28. Review status: criteria provided, single submitter. Criteria: Invitae Variant Classification Sherloc (09022015). Collection method: clinical testing. Allele origin: germline.
Comment: ClinVar contains an entry for this variant (Variation ID: 550062). Advanced modeling of protein sequence and biophysical properties (such as structural, functional, and spatial information, amino acid conservation, physicochemical variation, residue mobility, and thermodynamic stability) performed at Invitae indicates that this missense variant is expected to disrupt TAT protein function. For these reasons, this variant has been classified as Pathogenic. This missense change has been observed in individual(s) with tyrosinemia (PMID: 21145993, 28255985; Invitae). This sequence change replaces arginine, which is basic and polar, with glutamine, which is neutral and polar, at codon 417 of the TAT protein (p.Arg417Gln). This variant is present in population databases (rs757879229, gnomAD 0.003%).

Juno Genomics, Hangzhou Juno Genomics, Inc
Classification: Likely pathogenic for Tyrosinemia type II. Review status: criteria provided, single submitter. Criteria: ACMG Guidelines, 2015. Collection method: clinical testing. Allele origin: germline.
Comment: Absent from controls (or at extremely low frequency if recessive) in Genome Aggregation Database.;Multiple lines of computational evidence support a deleterious effect on the gene or gene product.;For recessive disorders, detected in trans with a pathogenic variant.;Patient's phenotype or family history is highly specific for a disease with a single genetic etiology.

Counsyl
Classification: Uncertain significance for Tyrosinemia type II. Last evaluated: 2018-04-04. Review status: no assertion criteria provided. Collection method: clinical testing. Allele origin: unknown. Not counted in ClinVar's aggregate classification.

Literature cited by the submitters: PubMed 21145993 (cited by 3 submitters); PubMed 28255985 (cited by Labcorp Genetics (formerly Invitae), Labcorp).